The following is an entry in ClinVar:

NM_000175.5(GPI):c.1648A>G (p.Lys550Glu)

Gene: GPI (glucose-6-phosphate isomerase; plus strand). Cytogenetic location: 19q13.11.
Variant type: single nucleotide variant.
Coding change: c.1648A>G on transcript NM_000175.5 (MANE Select); coding-DNA position 1648, A replaced by G.
Protein change: p.Lys550Glu; replaces lysine 550 with glutamic acid.
Molecular consequence: missense variant.
Genome position (GRCh38, 1-based): chr19:34,400,007, A>G. VCF-style: chr19-34400007-A-G. GRCh37 (hg19) VCF-style: chr19-34890912-A-G.
Other names: c.1681A>G, p.Lys561Glu (NM_001184722.1); c.1765A>G, p.Lys589Glu (NM_001289789.1); c.1564A>G, p.Lys522Glu (NM_001289790.3); c.1648A>G, p.Lys550Glu (NM_001329909.1, NM_001329910.1); c.1621A>G, p.Lys541Glu (NM_001329911.2); short protein forms K522E, K541E, K550E, K561E, K589E.
Identifiers: ClinVar variation 1324505 (VCV001324505.6), dbSNP rs933668811, ClinGen allele CA307634859.
Genomic context (GRCh38, chr19:34,400,007, plus strand): 5'-GATGGCAGTGCTCAAGTGACCTCTCACGACGCTTCTACCAATGGGCTCATCAACTTCATC[A>G]AGCAGCAGCGCGAGGCCAGAGTCCAATAAACTCGTGCTCATCTGCAGCCTCCTCTGTGAC-3'
Protein context (NP_000166.2, residues 540-558): ASTNGLINFI[Lys550Glu]QQREARVQ

ClinVar aggregate classification (germline): Uncertain significance. Review status: criteria provided, multiple submitters, no conflicts (2 of 4 stars). 2 submissions from 2 submitters: Uncertain significance (2). Last evaluated 2024-09-09.

Conditions:
Hemolytic anemia due to glucophosphate isomerase deficiency (CNSHA4). Also called: ANEMIA, CONGENITAL, NONSPHEROCYTIC HEMOLYTIC, 4. Identifiers: Orphanet 712, MedGen C0272064, MONDO:0013275, OMIM 613470.

Allele frequency attached by ClinVar (database versions not stated): gnomAD 0.00001; gnomAD exomes 0.00001; TOPMed 0.00001.
gnomAD v4.1: 5 of 1,613,310 alleles (0.00031%); highest among the groups gnomAD compares: Admixed American, 0.0017%; no homozygotes.

Submissions (2):

Labcorp Genetics (formerly Invitae), Labcorp
Classification: Uncertain significance. Last evaluated: 2024-09-09. Review status: criteria provided, single submitter. Criteria: Invitae Variant Classification Sherloc (09022015). Collection method: clinical testing. Allele origin: germline.
Comment: This sequence change replaces lysine, which is basic and polar, with glutamic acid, which is acidic and polar, at codon 550 of the GPI protein (p.Lys550Glu). This variant is present in population databases (no rsID available, gnomAD 0.003%). This missense change has been observed in individual(s) with glucose-6-phosphate isomerase deficiency (PMID: 17041899, 27427187). ClinVar contains an entry for this variant (Variation ID: 1324505). Invitae Evidence Modeling of protein sequence and biophysical properties (such as structural, functional, and spatial information, amino acid conservation, physicochemical variation, residue mobility, and thermodynamic stability) has been performed for this missense variant. However, the output from this modeling did not meet the statistical confidence thresholds required to predict the impact of this variant on GPI protein function. In summary, the available evidence is currently insufficient to determine the role of this variant in disease. Therefore, it has been classified as a Variant of Uncertain Significance.

Revvity Omics, Revvity
Classification: Uncertain significance for Hemolytic anemia due to glucophosphate isomerase deficiency. Last evaluated: 2024-02-19. Review status: criteria provided, single submitter. Criteria: ACMG Guidelines, 2015. Collection method: clinical testing. Allele origin: germline.

Literature cited by the submitters: PubMed 17041899 (cited by Labcorp Genetics (formerly Invitae), Labcorp); PubMed 27427187 (cited by Labcorp Genetics (formerly Invitae), Labcorp).